The following is an entry in ClinVar:

ClinVar aggregate classification (germline): Likely pathogenic. Review status: reviewed by expert panel (3 of 4 stars). 2 submissions from 2 submitters: Likely pathogenic (1). 1 of the submissions does not count toward it. Last evaluated 2024-08-13.

Conditions:
von Willebrand disease type 2M (VWD2M). Identifiers: Orphanet 166090, MedGen C1282974, MONDO:0015630.

Submissions (2):

ClinGen von Willebrand Disease Variant Curation Expert Panel, ClinGen
Classification: Likely pathogenic for von Willebrand disease type 2M. Last evaluated: 2024-08-13. Review status: reviewed by expert panel. Criteria: ClinGen VWD 2A B M Rules. Collection method: curation. Allele origin: germline. Inheritance: Autosomal dominant inheritance.
Comment: The NM_000552.5(VWF):c.4244G>A (p.Gly1415Asp) missense variant has been reported in at least 4 unrelated probands with a phenotype consistent with VWD Type 2M (PS4_Moderate, PMID: 28971901, PMID: 16985174). At least 2 of these probands displayed excessive mucocutaneous bleeding as well as a laboratory phenotype of low VWF:RCo/VWF:Ag ratio, low collagen binding, and normal VWF high-MW multimers, which together are highly specific for VWD Type 2M (PP4_Moderate, PMID: 29924855). Low FVIII activity, an inconsistent phenotype, was also reported in these patients, as well as low VWF antigen. The computational predictor REVEL gives a score of 0.823, which is above the ClinGen VWD VCEP threshold of >0.644 and predicts a damaging effect on VWF function (PP3). This variant is absent from gnomAD v4.1 (PM2_Supporting). In summary, the variant meets the criteria to be classified as Likely Pathogenic for von Willebrand disease type 2M based on the ACMG/AMP criteria applied, as specified by the ClinGen VWD VCEP: PS4_Moderate, PP4_moderate, PP3, and PM2_supporting.

Academic Unit of Haematology, University of Sheffield
No classification provided. Review status: no classification provided. Collection method: not provided. Allele origin: not provided. Not counted in ClinVar's aggregate classification.

NM_000552.5(VWF):c.4244G>A (p.Gly1415Asp)

Gene: VWF (von Willebrand factor; minus strand). Cytogenetic location: 12p13.31.
Variant type: single nucleotide variant.
Coding change: c.4244G>A on transcript NM_000552.5 (MANE Select); coding-DNA position 4244, G replaced by A.
Protein change: p.Gly1415Asp; replaces glycine 1415 with aspartic acid.
Molecular consequence: missense variant.
Genome position (GRCh38, 1-based): chr12:6,019,174, C>T on the plus strand (G>A on the coding strand, the complement: VWF is on the minus strand). VCF-style: chr12-6019174-C-T. GRCh37 (hg19) VCF-style: chr12-6128340-C-T.
Other names: NM_000552.5(VWF):c.4244G>A; p.Gly1415Asp; short protein forms G1415D.
Identifiers: ClinVar variation 100343 (VCV000100343.2), dbSNP rs61750080, ClinGen allele CA228567.
Genomic context (GRCh38, chr12:6,019,174, plus strand): 5'-TTCTCAGGGGCCTGCTTCTCGATGAGGCGGATCTGCTTGAGGTTGGCATGGGGCCCAATG[C>T]CCACCGGGATCACAATGACCTTCTTCTTCTTCAGGCCCTGGACGTAGCGGACAAAGTTCC-3'
Protein context (NP_000543.3, residues 1405-1425): KKKKVIVIPV[Gly1415Asp]IGPHANLKQI